The following is an entry in ClinVar:

ClinVar aggregate classification (germline): Uncertain significance (1 of 4 stars; one submission).

Conditions:
MAP1B-related disorder. Also called: MAP1B-related condition.

gnomAD v4.1: 14 of 1,614,074 alleles (0.00087%); highest among the groups gnomAD compares: Non-Finnish European, 0.0012%; no homozygotes.

Submission:

PreventionGenetics, part of Exact Sciences
Classification: Uncertain significance for MAP1B-related condition. Last evaluated: 2026-01-26. Review status: criteria provided, single submitter. Criteria: ACMG Guidelines, 2015. Collection method: clinical testing. Allele origin: germline.
Comment: The MAP1B c.2237T>C variant is predicted to result in the amino acid substitution p.Leu746Pro. To our knowledge, this variant has not been reported in the literature. This variant is reported in 0.0031% of alleles in individuals of European (Non-Finnish) descent in gnomAD. At this time, the clinical significance of this variant is uncertain due to the absence of conclusive functional and genetic evidence.

NM_005909.5(MAP1B):c.2237T>C (p.Leu746Pro)

Gene: MAP1B (microtubule associated protein 1B; plus strand). Cytogenetic location: 5q13.2.
Variant type: single nucleotide variant.
Coding change: c.2237T>C on transcript NM_005909.5 (MANE Select); coding-DNA position 2237, T replaced by C.
Protein change: p.Leu746Pro; replaces leucine 746 with proline.
Molecular consequence: missense variant.
Genome position (GRCh38, 1-based): chr5:72,195,592, T>C. VCF-style: chr5-72195592-T-C. GRCh37 (hg19) VCF-style: chr5-71491419-T-C.
Other names: c.1859T>C, p.Leu620Pro (NM_001324255.2); short protein forms L620P, L746P.
Identifiers: ClinVar variation 4986492 (VCV004986492.1).